The following is an entry in ClinVar:

ClinVar aggregate classification (germline): Pathogenic (1 of 4 stars; one submission).

Conditions:
Hereditary diffuse gastric adenocarcinoma (HDGC). Also called: DIFFUSE GASTRIC AND LOBULAR BREAST CANCER SYNDROME. Identifiers: Orphanet 26106, MedGen C1708349, MONDO:0007648, OMIM 137215.

Submission:

Myriad Genetics, Inc.
Classification: Pathogenic for Hereditary diffuse gastric adenocarcinoma. Last evaluated: 2025-12-09. Review status: criteria provided, single submitter. Criteria: Myriad Autosomal Dominant, Autosomal Recessive and X-Linked Classification Criteria (2023). Collection method: clinical testing. Allele origin: unknown.
Comment: This variant is considered pathogenic. This variant creates a frameshift predicted to result in premature protein truncation.

NM_001903.5(CTNNA1):c.53_60del (p.Leu18fs)

Gene: CTNNA1 (catenin alpha 1; plus strand). Cytogenetic location: 5q31.2.
Variant type: Deletion.
Coding change: c.53_60del on transcript NM_001903.5 (MANE Select); coding-DNA positions 53 to 60, 8 bases deleted (TAGAGATC; older notation c.53_60delTAGAGATC).
Protein change: p.Leu18fs; shifts the reading frame from leucine 18.
Molecular consequence: frameshift variant. On other transcripts: 5 prime UTR variant (2).
Genome position (GRCh38, 1-based): chr5:138,781,977-138,781,984, TAGAGATC deleted; deleting any 8 consecutive bases within chr5:138,781,975-138,781,984 gives the same sequence; the c. name uses the placement nearest the transcript's 3' end. VCF-style (leftmost placement, unchanged base first): chr5-138781974-GTCTAGAGA-G. GRCh37 (hg19) VCF-style: chr5-138117663-GTCTAGAGA-G.
Other names: c.53_60del, p.Leu18fs (NM_001290307.3, NM_001323982.2, NM_001323983.1 and 3 more transcripts); c.-61_-54del (NM_001290309.3); c.-154_-147del (NM_001290310.3); short protein forms L18fs.
Identifiers: ClinVar variation 4813011 (VCV004813011.1).